The following is an entry in ClinVar:

ClinVar aggregate classification (germline): Uncertain significance (1 of 4 stars; one submission).

Conditions:
Hereditary cancer-predisposing syndrome. Also called: Neoplastic Syndromes, Hereditary; Tumor predisposition; Hereditary neoplastic syndrome; Hereditary Cancer Syndrome. Identifiers: Orphanet 140162, MedGen C0027672, MeSH D009386, MONDO:0015356.

Submission:

Ambry Genetics
Classification: Uncertain significance for Hereditary cancer-predisposing syndrome. Last evaluated: 2026-07-07. Review status: criteria provided, single submitter. Criteria: Ambry Variant Classification Scheme 2023. Collection method: clinical testing. Allele origin: germline.
Comment: The p.A257E variant (also known as c.770C>A), located in coding exon 3 of the PHOX2B gene, results from a C to A substitution at nucleotide position 770. The alanine at codon 257 is replaced by glutamic acid, an amino acid with dissimilar properties. This amino acid position is conserved. In addition, the in silico prediction for this alteration is inconclusive. Based on the available evidence, the clinical significance of this variant remains unclear.

NM_003924.4(PHOX2B):c.770C>A (p.Ala257Glu)

Genes: PHOX2B (paired like homeobox 2B; minus strand), LOC110011216 (paired like homeobox 2b polyalanine repeat instability region; plus strand). Cytogenetic location: 4p13.
Variant type: single nucleotide variant.
Coding change: c.770C>A on transcript NM_003924.4 (MANE Select); coding-DNA position 770, C replaced by A.
Protein change: p.Ala257Glu; replaces alanine 257 with glutamic acid.
Molecular consequence: missense variant.
Genome position (GRCh38, 1-based): chr4:41,745,982, G>T on the plus strand (C>A on the coding strand, the complement: PHOX2B is on the minus strand). VCF-style: chr4-41745982-G-T. GRCh37 (hg19) VCF-style: chr4-41747999-G-T.
Other names: short protein forms A257E.
Identifiers: ClinVar variation 5026584 (VCV005026584.1).